The following is an entry in ClinVar:

NM_001384290.1(HLA-G):c.846G>A (p.Thr282=)

Gene: HLA-G (major histocompatibility complex, class I, G; plus strand). Cytogenetic location: 6p22.1.
Variant type: single nucleotide variant.
Coding change: c.846G>A on transcript NM_001384290.1 (MANE Select); coding-DNA position 846, G replaced by A.
Protein change: p.Thr282=; no amino-acid change (threonine 282 retained).
Molecular consequence: synonymous variant.
Genome position (GRCh38, 1-based): chr6:29,829,644, G>A. VCF-style: chr6-29829644-G-A. GRCh37 (hg19) VCF-style: chr6-29797421-G-A.
Other names: c.861G>A, p.Thr287= (NM_001384280.1, NM_001363567.2); c.846G>A, p.Thr282= (NM_002127.6).
Identifiers: ClinVar variation 2656327 (VCV002656327.24), dbSNP rs76951509, ClinGen allele CA3691948.

ClinVar aggregate classification (germline): Likely benign (1 of 4 stars; one submission).

Allele frequency attached by ClinVar (database versions not stated): gnomAD exomes 0.00017; ExAC 0.00061; 1000 Genomes Project 30x 0.00187; gnomAD 0.00210; ESP Exome Variant Server 0.00215; TOPMed 0.00233; 1000 Genomes Project 0.00240.
gnomAD v4.1: 595 of 1,614,016 alleles (0.037%); highest among the groups gnomAD compares: African/African-American, 0.64%; 3 homozygotes.

Submission:

CeGaT Center for Human Genetics Tuebingen
Classification: Likely benign. Last evaluated: 2023-04-01. Review status: criteria provided, single submitter. Criteria: CeGaT Center For Human Genetics Tuebingen Variant Classification Criteria Version 2. Collection method: clinical testing. Allele origin: germline. Affected: yes. Observed: 1 variant allele.
Comment: HLA-G: BP4, BP7